The following is an entry in ClinVar:

ClinVar aggregate classification (germline): Uncertain significance. Review status: criteria provided, multiple submitters, no conflicts (2 of 4 stars). 2 submissions from 2 submitters: Uncertain significance (2). Last evaluated 2021-03-07.

Conditions:
POLD1-related polyposis and colorectal cancer syndrome (CRCS10). Also called: Colorectal cancer 10; COLORECTAL CANCER, SUSCEPTIBILITY TO, ON CHROMOSOME 19q; Colorectal cancer, susceptibility to, 10. Identifiers: Orphanet 220460, MedGen C2675481, MONDO:0012953, OMIM 612591.

Submissions (2):

Labcorp Genetics (formerly Invitae), Labcorp
Classification: Uncertain significance for POLD1-related polyposis and colorectal cancer syndrome. Last evaluated: 2021-03-07. Review status: criteria provided, single submitter. Criteria: Invitae Variant Classification Sherloc (09022015). Collection method: clinical testing. Allele origin: germline.
Comment: In summary, this variant is a novel in-frame deletion with uncertain impact on protein function. It has been classified as a Variant of Uncertain Significance. Experimental studies and prediction algorithms are not available for this variant, and the functional significance of the deleted amino acids is currently unknown. This variant is not present in population databases (ExAC no frequency) and has not been reported in the literature in individuals with a POLD1-related disease. This sequence change deletes 24 nucleotides from exon 5 of the POLD1 mRNA (c.501_524del). This leads to the deletion of 8 amino acid residues in the POLD1 protein (p.Glu167_Arg174del) but otherwise preserves the integrity of the reading frame.

Blueprint Genetics
Classification: Uncertain significance. Last evaluated: 2018-07-04. Review status: criteria provided, single submitter. Criteria: ACMG Guidelines, 2015. Collection method: clinical testing. Allele origin: germline.

NM_002691.4(POLD1):c.501_524del (p.Glu167_Arg174del)

Gene: POLD1 (DNA polymerase delta 1, catalytic subunit; plus strand). Cytogenetic location: 19q13.33.
Variant type: Deletion.
Coding change: c.501_524del on transcript NM_002691.4 (MANE Select); coding-DNA positions 501 to 524, 24 bases deleted (GCTGAACTTGGCCATCAGCCGGGA).
Protein change: p.Glu167_Arg174del.
Molecular consequence: inframe deletion. On other transcripts: non-coding transcript variant (1).
Genome position (GRCh38, 1-based): chr19:50,402,036-50,402,059, GCTGAACTTGGCCATCAGCCGGGA deleted; deleting any 24 consecutive bases within chr19:50,402,031-50,402,059 gives the same sequence; the c. name uses the placement nearest the transcript's 3' end. VCF-style (leftmost placement, unchanged base first): chr19-50402030-ACGGGAGCTGAACTTGGCCATCAGC-A. GRCh37 (hg19) VCF-style: chr19-50905287-ACGGGAGCTGAACTTGGCCATCAGC-A.
Other names: c.501_524del, p.Glu167_Arg174del (NM_001256849.1, NM_001308632.1).
Identifiers: ClinVar variation 469358 (VCV000469358.9), dbSNP rs1555789893, ClinGen allele CA658658859.
Genomic context (GRCh38, chr19:50,402,030, plus strand): 5'-TGCACCTCTGATCATCCCTCCCACACCAGGTTTCGGGCCCGAGCACATGGGTGACCTGCA[ACGGGAGCTGAACTTGGCCATCAGC>A]CGGGACAGTCGCGGGGGGAGGGAGCTGACTGGGCCGGCCGTGCTGGCTGTGGAACTGTGC-3'